The following is an entry in ClinVar:

NM_001366385.1(CARD14):c.496C>T (p.Arg166Cys)

Gene: CARD14 (caspase recruitment domain family member 14; plus strand). Cytogenetic location: 17q25.3.
Variant type: single nucleotide variant.
Coding change: c.496C>T on transcript NM_001366385.1 (MANE Select); coding-DNA position 496, C replaced by T.
Protein change: p.Arg166Cys; replaces arginine 166 with cysteine.
Molecular consequence: missense variant. On other transcripts: non-coding transcript variant (1).
Genome position (GRCh38, 1-based): chr17:80,184,059, C>T. VCF-style: chr17-80184059-C-T. GRCh37 (hg19) VCF-style: chr17-78157858-C-T.
Other names: c.496C>T, p.Arg166Cys (NM_024110.4, NM_001257970.1); c.496C>T (NM_024110.3); short protein forms R166C.
Identifiers: ClinVar variation 644802 (VCV000644802.13), dbSNP rs751727290, ClinGen allele CA8816437.
Genomic context (GRCh38, chr17:80,184,059, plus strand): 5'-AAGGAGGTGCTGCTGCGGCGGTGCCAGCAGCTGCAGGAGCACCTGGGCCTGGCCGAGACC[C>T]GTGCCGAGGGCCTGCACCAGCTGGAGGCTGACCACAGCCGCATGAAGCGTGAGGTTAGCG-3'
Protein context (NP_001353314.1, residues 156-176): LQEHLGLAET[Arg166Cys]AEGLHQLEAD

ClinVar aggregate classification (germline): Uncertain significance. Review status: criteria provided, multiple submitters, no conflicts (2 of 4 stars). 3 submissions from 3 submitters: Uncertain significance (3). Last evaluated 2025-10-29.

Conditions:
Inborn genetic diseases. Identifiers: MedGen C0950123, MeSH D030342.
Autoinflammatory syndrome. Identifiers: Orphanet 93665, MedGen C3890737, MONDO:0019751.
Pityriasis rubra pilaris (PRP). Also called: Pityriasis rubra pilaris--familial type. Identifiers: Orphanet 2897, MedGen C0032027, MONDO:0100017, OMIM 173200, MONDO:0008251.
Psoriasis 2. Identifiers: MedGen C1864497, MONDO:0011269, OMIM 602723.

Allele frequency attached by ClinVar (database versions not stated): TOPMed 0.00009; gnomAD 0.00010; 1000 Genomes Project 30x 0.00016.

Submissions (3):

Labcorp Genetics (formerly Invitae), Labcorp
Classification: Uncertain significance for Pityriasis rubra pilaris; Psoriasis 2. Last evaluated: 2025-10-29. Review status: criteria provided, single submitter. Criteria: Invitae Variant Classification Sherloc (09022015). Collection method: clinical testing. Allele origin: germline.
Comment: This sequence change replaces arginine, which is basic and polar, with cysteine, which is neutral and slightly polar, at codon 166 of the CARD14 protein (p.Arg166Cys). This variant is present in population databases (rs751727290, gnomAD 0.01%). This variant has not been reported in the literature in individuals affected with CARD14-related conditions. ClinVar contains an entry for this variant (Variation ID: 644802). Invitae Evidence Modeling of protein sequence and biophysical properties (such as structural, functional, and spatial information, amino acid conservation, physicochemical variation, residue mobility, and thermodynamic stability) indicates that this missense variant is not expected to disrupt CARD14 protein function with a negative predictive value of 95%. In summary, the available evidence is currently insufficient to determine the role of this variant in disease. Therefore, it has been classified as a Variant of Uncertain Significance.

Ambry Genetics
Classification: Uncertain significance for Inborn genetic diseases. Last evaluated: 2024-01-31. Review status: criteria provided, single submitter. Criteria: Ambry Variant Classification Scheme 2023. Collection method: clinical testing. Allele origin: germline.

Genome Diagnostics Laboratory, The Hospital for Sick Children
Classification: Uncertain significance for Autoinflammatory syndrome. Last evaluated: 2016-12-12. Review status: criteria provided, single submitter. Criteria: ACMG Guidelines, 2015. Collection method: clinical testing. Allele origin: germline. Affected: yes.